The following is an entry in ClinVar:

ClinVar aggregate classification (germline): Conflicting classifications of pathogenicity. Review status: criteria provided, conflicting classifications (1 of 4 stars). 7 submissions from 7 submitters: Uncertain significance (5); Likely benign (1). 1 of the submissions does not count toward it. Last evaluated 2025-10-17.

Conditions:
SLC22A5-related disorder. Also called: SLC22A5-related condition.
Renal carnitine transport defect (CDSP). Also called: CARNITINE DEFICIENCY, SYSTEMIC, DUE TO DEFECT IN RENAL REABSORPTION OF CARNITINE; CARNITINE TRANSPORTER, PLASMA-MEMBRANE, DEFICIENCY OF; CARNITINE UPTAKE DEFECT; Carnitine transporter deficiency; Carnitine Deficiency, Systemic; Systemic primary carnitine deficiency. Identifiers: Orphanet 158, MedGen C0342788, MONDO:0008919, OMIM 212140.

Allele frequency attached by ClinVar (database versions not stated): TOPMed 0.00002; gnomAD 0.00003.

Submissions (8):

Labcorp Genetics (formerly Invitae), Labcorp
Classification: Uncertain significance for Renal carnitine transport defect. Last evaluated: 2025-10-17. Review status: criteria provided, single submitter. Criteria: Invitae Variant Classification Sherloc (09022015). Collection method: clinical testing. Allele origin: germline.
Comment: This sequence change replaces valine, which is neutral and non-polar, with methionine, which is neutral and non-polar, at codon 151 of the SLC22A5 protein (p.Val151Met). This variant is present in population databases (rs386134193, gnomAD 0.005%). This missense change has been observed in individual(s) with primary carnitine deficiency (ARUP database). ClinVar contains an entry for this variant (Variation ID: 25374). Invitae Evidence Modeling of protein sequence and biophysical properties (such as structural, functional, and spatial information, amino acid conservation, physicochemical variation, residue mobility, and thermodynamic stability) has been performed for this missense variant. However, the output from this modeling did not meet the statistical confidence thresholds required to predict the impact of this variant on SLC22A5 protein function. Experimental studies have shown that this missense change does not substantially affect SLC22A5 function (PMID: 28841266). In summary, the available evidence is currently insufficient to determine the role of this variant in disease. Therefore, it has been classified as a Variant of Uncertain Significance.

Blueprint Genetics
Classification: Uncertain significance. Last evaluated: 2024-01-11. Review status: criteria provided, single submitter. Criteria: ACMG Guidelines, 2015. Collection method: clinical testing. Allele origin: germline.

PreventionGenetics, part of Exact Sciences
Classification: Uncertain significance for SLC22A5-related condition. Last evaluated: 2023-02-03. Review status: criteria provided, single submitter. Criteria: ACMG Guidelines, 2015. Collection method: clinical testing. Allele origin: germline.
Comment: The SLC22A5 c.451G>A variant is predicted to result in the amino acid substitution p.Val151Met. This variant has been reported in a cohort of patients referred for carnitine deficiency. However, this variant retained significant residual carnitine transport activity in patient's fibroblast (Frigeni et al. 2017. PubMed ID: 28841266). This variant is reported in 0.0050% of alleles in individuals of East Asian descent in gnomAD. At this time, the clinical significance of this variant is uncertain due to the absence of conclusive functional and genetic evidence.

Genome-Nilou Lab
Classification: Uncertain significance for Renal carnitine transport defect. Last evaluated: 2021-07-15. Review status: criteria provided, single submitter. Criteria: ACMG Guidelines, 2015. Collection method: clinical testing. Allele origin: germline. Affected: no.

GeneDx
Classification: Likely benign. Last evaluated: 2018-12-19. Review status: criteria provided, single submitter. Criteria: GeneDx Variant Classification Process June 2021. Collection method: clinical testing. Allele origin: germline. Affected: yes.
Comment: This variant is associated with the following publications: (PMID: 26828774, 28841266)

Eurofins Ntd Llc (ga)
Classification: Uncertain significance. Last evaluated: 2017-10-19. Review status: criteria provided, single submitter. Criteria: EGL Classification Definitions 2015. Collection method: clinical testing. Allele origin: germline. Observed: 5 variant alleles, 5 heterozygotes.

Counsyl
Classification: Uncertain significance for Renal carnitine transport defect. Last evaluated: 2017-11-08. Review status: no assertion criteria provided. Collection method: clinical testing. Allele origin: unknown. Not counted in ClinVar's aggregate classification.

Dr. Peter K. Rogan Lab, Western University
No classification provided (evidence only). Condition: Malignant tumor of urinary bladder. Review status: no classification provided. Collection method: in vitro. Allele origin: not applicable. Functional consequence: retained intron. Not counted in ClinVar's aggregate classification.

Literature cited by the submitters: PubMed 28841266 (cited by Labcorp Genetics (formerly Invitae), Labcorp).

NM_003060.4(SLC22A5):c.451G>A (p.Val151Met)

Gene: SLC22A5 (solute carrier family 22 member 5; plus strand). Cytogenetic location: 5q31.1.
Variant type: single nucleotide variant.
Coding change: c.451G>A on transcript NM_003060.4 (MANE Select); coding-DNA position 451, G replaced by A.
Protein change: p.Val151Met; replaces valine 151 with methionine.
Molecular consequence: missense variant.
Genome position (GRCh38, 1-based): chr5:132,378,435, G>A. VCF-style: chr5-132378435-G-A. GRCh37 (hg19) VCF-style: chr5-131714127-G-A.
Other names: c.523G>A, p.Val175Met (NM_001308122.2); short protein forms V175M.
Identifiers: ClinVar variation 25374 (VCV000025374.23), dbSNP rs386134193, ClinGen allele CA342632.